The following is an entry in ClinVar:

NM_006745.5(MSMO1):c.411T>A (p.Phe137Leu)

Gene: MSMO1 (methylsterol monooxygenase 1; plus strand). Cytogenetic location: 4q32.3.
Variant type: single nucleotide variant.
Coding change: c.411T>A on transcript NM_006745.5 (MANE Select); coding-DNA position 411, T replaced by A.
Protein change: p.Phe137Leu; replaces phenylalanine 137 with leucine.
Molecular consequence: missense variant.
Genome position (GRCh38, 1-based): chr4:165,338,658, T>A. VCF-style: chr4-165338658-T-A. GRCh37 (hg19) VCF-style: chr4-166259810-T-A.
Other names: c.18T>A, p.Phe6Leu (NM_001017369.3); c.411T>A (NM_006745.4); short protein forms F137L, F6L.
Identifiers: ClinVar variation 1427351 (VCV001427351.7), dbSNP rs1747628562, ClinGen allele CA358685744.

ClinVar aggregate classification (germline): Uncertain significance. Review status: criteria provided, multiple submitters, no conflicts (2 of 4 stars). 2 submissions from 2 submitters: Uncertain significance (2). Last evaluated 2024-05-08.

Allele frequency attached by ClinVar (database versions not stated): gnomAD exomes below 0.00001; gnomAD 0.00001.
gnomAD v4.1: 3 of 1,609,552 alleles (0.00019%); highest among the groups gnomAD compares: Admixed American, 0.0033%; no homozygotes.

Submissions (2):

Ambry Genetics
Classification: Uncertain significance. Last evaluated: 2024-05-08. Review status: criteria provided, single submitter. Criteria: Ambry Variant Classification Scheme 2023. Collection method: clinical testing. Allele origin: germline.

Labcorp Genetics (formerly Invitae), Labcorp
Classification: Uncertain significance. Last evaluated: 2024-02-24. Review status: criteria provided, single submitter. Criteria: Invitae Variant Classification Sherloc (09022015). Collection method: clinical testing. Allele origin: germline.
Comment: This sequence change replaces phenylalanine, which is neutral and non-polar, with leucine, which is neutral and non-polar, at codon 137 of the MSMO1 protein (p.Phe137Leu). This variant is not present in population databases (gnomAD no frequency). This variant has not been reported in the literature in individuals affected with MSMO1-related conditions. ClinVar contains an entry for this variant (Variation ID: 1427351). Advanced modeling of protein sequence and biophysical properties (such as structural, functional, and spatial information, amino acid conservation, physicochemical variation, residue mobility, and thermodynamic stability) performed at Invitae indicates that this missense variant is not expected to disrupt MSMO1 protein function with a negative predictive value of 80%. In summary, the available evidence is currently insufficient to determine the role of this variant in disease. Therefore, it has been classified as a Variant of Uncertain Significance.